The following is an entry in ClinVar:

ClinVar aggregate classification (germline): Uncertain significance (1 of 4 stars; one submission).

Conditions:
Familial cancer of breast. Also called: BREAST CANCER, FAMILIAL; Hereditary breast cancer; hereditary breast carcinoma. Identifiers: Orphanet 227535, MedGen C0346153, MONDO:0016419, OMIM 114480. Disease mechanism: loss of function.

Allele frequency attached by ClinVar (database versions not stated): gnomAD 0.00001; ExAC 0.00005; 1000 Genomes Project 30x 0.00016; 1000 Genomes Project 0.00020.

Submission:

Labcorp Genetics (formerly Invitae), Labcorp
Classification: Uncertain significance for Familial cancer of breast. Last evaluated: 2022-06-26. Review status: criteria provided, single submitter. Criteria: Invitae Variant Classification Sherloc (09022015). Collection method: clinical testing. Allele origin: germline.
Comment: This sequence change affects the initiator methionine of the BARD1 mRNA. The next in-frame methionine is located at codon 26. This variant is present in population databases (rs528321749, gnomAD 0.01%). This variant has not been reported in the literature in individuals affected with BARD1-related conditions. In summary, the available evidence is currently insufficient to determine the role of this variant in disease. Therefore, it has been classified as a Variant of Uncertain Significance.

NM_000465.4(BARD1):c.1A>G (p.Met1Val)

Gene: BARD1 (BRCA1 associated RING domain 1; minus strand). Cytogenetic location: 2q35.
Variant type: single nucleotide variant.
Coding change: c.1A>G on transcript NM_000465.4 (MANE Select); coding-DNA position 1, A replaced by G.
Protein change: p.Met1Val; changes the start codon (methionine 1).
Molecular consequence: missense variant, initiator codon variant. On other transcripts: non-coding transcript variant (3).
Genome position (GRCh38, 1-based): chr2:214,809,569, T>C on the plus strand (A>G on the coding strand, the complement: BARD1 is on the minus strand). VCF-style: chr2-214809569-T-C. GRCh37 (hg19) VCF-style: chr2-215674293-T-C.
Other names: c.1A>G, p.Met1Val (NM_001282543.2, NM_001282545.2, NM_001282548.2 and 1 more transcripts); short protein forms M1V.
Identifiers: ClinVar variation 1931413 (VCV001931413.6), dbSNP rs528321749, ClinGen allele CA2090537.